The following is an entry in ClinVar:

ClinVar aggregate classification (germline): Uncertain significance (1 of 4 stars; one submission).

Allele frequency attached by ClinVar (database versions not stated): gnomAD 0.00001 and 0.00002; TOPMed 0.00001; ExAC 0.00003; gnomAD exomes 0.00003; 1000 Genomes Project 0.00020; 1000 Genomes Project 30x 0.00031.
gnomAD v4.1: 33 of 1,614,022 alleles (0.002%); highest among the groups gnomAD compares: African/African-American, 0.0027%; no homozygotes.

Submission:

GeneDx
Classification: Uncertain significance. Last evaluated: 2017-05-31. Review status: criteria provided, single submitter. Criteria: GeneDx Variant Classification (06012015). Collection method: clinical testing. Allele origin: germline. Affected: yes.
Comment: A variant of uncertain significance has been identified in the LAMB1 gene. The R1548H variant has not been published as a pathogenic variant, nor has it been reported as a benign variant to our knowledge. The R1548H variant is not observed at a significant frequency in large population cohorts (Lek et al., 2016; 1000 Genomes Consortium et al., 2015; Exome Variant Server). The R1548H variant is a conservative amino acid substitution, which is not likely to impact secondary protein structure as these residues share similar properties. This substitution occurs at a position where amino acids with similar properties to Arginine are tolerated across species. In silico analysis is inconsistent in its predictions as to whether or not the variant is damaging to the protein structure/function. Based on the currently available information, it is unclear whether this variant is a pathogenic variant or a rare benign variant.

NM_002291.3(LAMB1):c.4643G>A (p.Arg1548His)

Gene: LAMB1 (laminin subunit beta 1; minus strand). Cytogenetic location: 7q31.1.
Variant type: single nucleotide variant.
Coding change: c.4643G>A on transcript NM_002291.3 (MANE Select); coding-DNA position 4643, G replaced by A.
Protein change: p.Arg1548His; replaces arginine 1548 with histidine.
Molecular consequence: missense variant.
Genome position (GRCh38, 1-based): chr7:107,929,514, C>T on the plus strand (G>A on the coding strand, the complement: LAMB1 is on the minus strand). VCF-style: chr7-107929514-C-T. GRCh37 (hg19) VCF-style: chr7-107569959-C-T.
Other names: short protein forms R1548H.
Identifiers: ClinVar variation 430485 (VCV000430485.2), dbSNP rs201609456, ClinGen allele CA4434978.
Genomic context (GRCh38, chr7:107,929,514, plus strand): 5'-ATGTCAGCAGCACTATGCTGAAGAATAACCTCTACTTGAGAAAGGCTTTCAACTCGTTCA[C>T]GTATATCTTCTGTCAAGTTCTGTAACTGCTGTGGGGTGCTAGGCATCTCCATTTTCAATA-3'
Protein context (NP_002282.2, residues 1538-1558): QQLQNLTEDI[Arg1548His]ERVESLSQVE